The following is an entry in ClinVar:

NM_003011.4(SET):c.73+379C>T

Genes: SET (SET nuclear proto-oncogene; plus strand), LOC130002719 (ATAC-STARR-seq lymphoblastoid silent region 20348; plus strand). Cytogenetic location: 9q34.11.
Variant type: single nucleotide variant.
Coding change: c.73+379C>T on transcript NM_003011.4 (MANE Select); 379 bases into the intron after coding-DNA position 73, C replaced by T.
Molecular consequence: intron variant.
Genome position (GRCh38, 1-based): chr9:128,690,034, C>T. VCF-style: chr9-128690034-C-T. GRCh37 (hg19) VCF-style: chr9-131452313-C-T.
Other names: c.113-1136C>T (NM_001374326.1, NM_001122821.2); c.47-1136C>T (NM_001248000.2); c.40+8C>T (NM_001248001.2).
Identifiers: ClinVar variation 1711695 (VCV001711695.30), dbSNP rs750117490, ClinGen allele CA5266882.

ClinVar aggregate classification (germline): Likely benign (1 of 4 stars; one submission).

Allele frequency attached by ClinVar (database versions not stated): TOPMed 0.00079; gnomAD 0.00082; ExAC 0.00172.
gnomAD v4.1: 1,137 of 1,024,120 alleles (0.11%); highest among the groups gnomAD compares: Middle Eastern, 0.21%; 1 homozygote.

Submission:

CeGaT Center for Human Genetics Tuebingen
Classification: Likely benign. Last evaluated: 2026-07-01. Review status: criteria provided, single submitter. Criteria: CeGaT Center For Human Genetics Tuebingen Variant Classification Criteria Version 2. Collection method: clinical testing. Allele origin: germline. Affected: yes. Observed: 6 variant alleles.
Comment: SET: BS1